The following is an entry in ClinVar:

ClinVar aggregate classification (germline): Likely benign. Review status: criteria provided, multiple submitters, no conflicts (2 of 4 stars). 2 submissions from 2 submitters: Likely benign (2). Last evaluated 2025-02-16.

Submissions (2):

Laboratory of Genetics, Children's Clinical University Hospital Latvia
Classification: Likely benign. Last evaluated: 2025-02-16. Review status: criteria provided, single submitter. Criteria: ACMG Guidelines, 2015. Collection method: clinical testing. Allele origin: germline. Affected: yes.

Laboratory for Molecular Medicine, Mass General Brigham Personalized Medicine
Classification: Likely benign. Last evaluated: 2016-11-17. Review status: criteria provided, single submitter. Criteria: LMM Criteria. Collection method: clinical testing. Allele origin: germline. Observed: 12 variant alleles.
Comment: m.960_961insC variant in MTRNR1: This variant has been proposed to contribute to hearing loss when found in combination with a second known pathogenic mutation in the MTRNR1 gene (Li 2004, Zhao 2004). It has also been identified in >1% indi viduals without hearing loss (Pulkes 2003, Tang 2002, Zhao 2004). Studies have r evealed that these variants are present in similar frequencies among HL patients and normal hearing controls and that they are part of a common Asian haplogroup (Yao 2006, Bae 2008, Tanaka 2010, Shen 2011), and the variant is present at hig h frequency in several haplogroups ranging from 0.1% to 75% in the MitoMap datab ase. Moreover, this region of mitochondrial DN A is not evolutionarily conserved and its function is not well defined (Guan 201 1). In summary, there is insufficient evidence to support a disease-associated r ole or risk for ototoxicity of this variant alone and the population frequency o f the variant suggests that it is most likely benign.

Literature cited by the submitters: PubMed 14581685 (cited by Laboratory for Molecular Medicine, Mass General Brigham Personalized Medicine); PubMed 14681830 (cited by Laboratory for Molecular Medicine, Mass General Brigham Personalized Medicine); PubMed 14699607 (cited by Laboratory for Molecular Medicine, Mass General Brigham Personalized Medicine); PubMed 12394346 (cited by Laboratory for Molecular Medicine, Mass General Brigham Personalized Medicine); PubMed 21047563 (cited by Laboratory for Molecular Medicine, Mass General Brigham Personalized Medicine); PubMed 16528519 (cited by Laboratory for Molecular Medicine, Mass General Brigham Personalized Medicine); PubMed 18636170 (cited by Laboratory for Molecular Medicine, Mass General Brigham Personalized Medicine); PubMed 19703591 (cited by Laboratory for Molecular Medicine, Mass General Brigham Personalized Medicine); PubMed 21205314 (cited by Laboratory for Molecular Medicine, Mass General Brigham Personalized Medicine).

NC_012920.1(MT-RNR1):m.960dup

Gene: MT-RNR1 (mitochondrially encoded 12S RNA; plus strand).
Variant type: Duplication.
Genome position: chrM-955-A-AC.
Other names: NC_012920.1:m.960dupC.
Identifiers: ClinVar variation 42234 (VCV000042234.5), dbSNP rs111033185, ClinGen allele CA131019.
Genomic context (GRCh38, chrMT:955, plus strand): 5'-CACCGCGGTCACACGATTAACCCAAGTCAATAGAAGCCGGCGTAAAGAGTGTTTTAGATC[A>AC]CCCCCTCCCCAATAAAGCTAAAACTCACCTGAGTTGTAAAAAACTCCAGTTGACACAAAA-3'